The following is an entry in ClinVar:

NM_025114.4(CEP290):c.3104-650A>G

Gene: CEP290 (centrosomal protein 290; minus strand). Cytogenetic location: 12q21.32.
Variant type: single nucleotide variant.
Coding change: c.3104-650A>G on transcript NM_025114.4 (MANE Select); 650 bases into the intron before coding-DNA position 3104, A replaced by G.
Molecular consequence: intron variant.
Genome position (GRCh38, 1-based): chr12:88,094,625, T>C on the plus strand (A>G on the coding strand, the complement: CEP290 is on the minus strand). VCF-style: chr12-88094625-T-C. GRCh37 (hg19) VCF-style: chr12-88488402-T-C.
Identifiers: ClinVar variation 4891139 (VCV004891139.1).
Genomic context (GRCh38, chr12:88,094,625, plus strand): 5'-GCAGCTTGTCTTTGGACACAAAAGTCTGTGGCTAAATGGAAAGAGAACTAAAAGCCTCAA[T>C]TTACCATAAAAAGGCATCGCATAGGAGTGTCATTAGTCATTTTTTGAGGGGGGGGGAAGA-3'

ClinVar aggregate classification (germline): Uncertain significance (1 of 4 stars; one submission).

gnomAD v4.1: 127 of 152,142 alleles (0.083%); highest among the groups gnomAD compares: Non-Finnish European, 0.16%; no homozygotes.

Submission:

Greenwood Genetic Center Diagnostic Laboratories, Greenwood Genetic Center
Classification: Uncertain significance. Last evaluated: 2026-06-09. Review status: criteria provided, single submitter. Criteria: ACMG Guidelines, 2015. Collection method: clinical testing. Allele origin: germline.
Comment: PM2, PP3